The following is an entry in ClinVar:

ClinVar aggregate classification (germline): Uncertain significance (1 of 4 stars; one submission).

Submission:

GeneDx
Classification: Uncertain significance. Last evaluated: 2026-03-12. Review status: criteria provided, single submitter. Criteria: GeneDx Variant Classification Process June 2021. Collection method: clinical testing. Allele origin: germline.
Comment: Not observed at significant frequency in large population cohorts (gnomAD); In silico analysis suggests that this missense variant does not alter protein structure/function; Has not been previously published as pathogenic or benign to our knowledge

NM_003660.4(PPFIA3):c.1474A>T (p.Met492Leu)

Gene: PPFIA3 (PPFI scaffold protein A3; plus strand). Cytogenetic location: 19q13.33.
Variant type: single nucleotide variant.
Coding change: c.1474A>T on transcript NM_003660.4 (MANE Select); coding-DNA position 1474, A replaced by T.
Protein change: p.Met492Leu; replaces methionine 492 with leucine.
Molecular consequence: missense variant. On other transcripts: non-coding transcript variant (1).
Genome position (GRCh38, 1-based): chr19:49,134,869, A>T. VCF-style: chr19-49134869-A-T. GRCh37 (hg19) VCF-style: chr19-49638126-A-T.
Other names: short protein forms M492L.
Identifiers: ClinVar variation 5009124 (VCV005009124.1).
Genomic context (GRCh38, chr19:49,134,869, plus strand): 5'-CCCGACACCTCCAACACCGGCCCCCAGGAGCAGCTCTTGGCCGAAATGGAGCGGATGCAG[A>T]TGGAGATCGACCAGCTGCGGGGGAGGCCACCATCCTCCTACTCCAGGTGACAGCAGCCCT-3'
Protein context (NP_003651.1, residues 482-502): QLLAEMERMQ[Met492Leu]EIDQLRGRPP